The following is an entry in ClinVar:

NM_001330260.2(SCN8A):c.100C>T (p.Leu34Phe)

Genes: SCN8A (sodium voltage-gated channel alpha subunit 8; plus strand), LOC114803470 (SCN8A eExon liver enhancer; plus strand). Cytogenetic location: 12q13.13.
Variant type: single nucleotide variant.
Coding change: c.100C>T on transcript NM_001330260.2 (MANE Select); coding-DNA position 100, C replaced by T.
Protein change: p.Leu34Phe; replaces leucine 34 with phenylalanine.
Molecular consequence: missense variant.
Genome position (GRCh38, 1-based): chr12:51,662,917, C>T. VCF-style: chr12-51662917-C-T. GRCh37 (hg19) VCF-style: chr12-52056701-C-T.
Other names: c.100C>T, p.Leu34Phe (NM_001177984.3, NM_001369788.1, NM_014191.4); short protein forms L34F.
Identifiers: ClinVar variation 1406835 (VCV001406835.9), dbSNP rs1940952445, ClinGen allele CA385227711.

ClinVar aggregate classification (germline): Uncertain significance (1 of 4 stars; one submission).

Conditions:
Early-infantile DEE. Also called: Early infantile epileptic encephalopathy; Ohtahara syndrome; Early infantile epileptic encephalopathy with suppression bursts. Identifiers: Orphanet 1934, MedGen C0393706, MONDO:0800491.

Allele frequency attached by ClinVar (database versions not stated): TOPMed below 0.00001.
gnomAD v4.1: 1 of 1,614,016 alleles (0.000062%); no homozygotes.

Submission:

Labcorp Genetics (formerly Invitae), Labcorp
Classification: Uncertain significance for Early-infantile DEE. Last evaluated: 2025-10-26. Review status: criteria provided, single submitter. Criteria: Invitae Variant Classification Sherloc (09022015). Collection method: clinical testing. Allele origin: germline.
Comment: This sequence change replaces leucine, which is neutral and non-polar, with phenylalanine, which is neutral and non-polar, at codon 34 of the SCN8A protein (p.Leu34Phe). This variant is not present in population databases (gnomAD no frequency). This variant has not been reported in the literature in individuals affected with SCN8A-related conditions. ClinVar contains an entry for this variant (Variation ID: 1406835). Invitae Evidence Modeling of protein sequence and biophysical properties (such as structural, functional, and spatial information, amino acid conservation, physicochemical variation, residue mobility, and thermodynamic stability) indicates that this missense variant is not expected to disrupt SCN8A protein function with a negative predictive value of 95%. In summary, the available evidence is currently insufficient to determine the role of this variant in disease. Therefore, it has been classified as a Variant of Uncertain Significance.